The following is an entry in ClinVar:

NM_002292.4(LAMB2):c.5159A>C (p.Lys1720Thr)

Gene: LAMB2 (laminin subunit beta 2; minus strand). Cytogenetic location: 3p21.31.
Variant type: single nucleotide variant.
Coding change: c.5159A>C on transcript NM_002292.4 (MANE Select); coding-DNA position 5159, A replaced by C.
Protein change: p.Lys1720Thr; replaces lysine 1720 with threonine.
Molecular consequence: missense variant.
Genome position (GRCh38, 1-based): chr3:49,121,534, T>G on the plus strand (A>C on the coding strand, the complement: LAMB2 is on the minus strand). VCF-style: chr3-49121534-T-G. GRCh37 (hg19) VCF-style: chr3-49158967-T-G.
Other names: short protein forms K1720T.
Identifiers: ClinVar variation 1395281 (VCV001395281.8), dbSNP rs2107624064, ClinGen allele CA352680855.

ClinVar aggregate classification (germline): Uncertain significance (1 of 4 stars; one submission).

Conditions:
LAMB2-related infantile-onset nephrotic syndrome. Also called: NEPHROTIC SYNDROME, TYPE 5, WITHOUT OCULAR ABNORMALITIES; NEPHROTIC SYNDROME, TYPE 5, WITH OCULAR ABNORMALITIES; Nephrotic Syndrome, type 5. Identifiers: Orphanet 306507, MedGen C3280113, MONDO:0013621, OMIM 614199.
Pierson syndrome. Also called: MICROCORIA-CONGENITAL NEPHROTIC SYNDROME. Identifiers: Orphanet 2670, MedGen C1836876, MONDO:0012184, OMIM 609049.

Submission:

Labcorp Genetics (formerly Invitae), Labcorp
Classification: Uncertain significance for LAMB2-related infantile-onset nephrotic syndrome; Pierson syndrome. Last evaluated: 2020-12-04. Review status: criteria provided, single submitter. Criteria: Invitae Variant Classification Sherloc (09022015). Collection method: clinical testing. Allele origin: germline.
Comment: In summary, the available evidence is currently insufficient to determine the role of this variant in disease. Therefore, it has been classified as a Variant of Uncertain Significance. Algorithms developed to predict the effect of missense changes on protein structure and function (SIFT, PolyPhen-2, Align-GVGD) all suggest that this variant is likely to be disruptive, but these predictions have not been confirmed by published functional studies and their clinical significance is uncertain. This variant has not been reported in the literature in individuals with LAMB2-related conditions. This variant is not present in population databases (ExAC no frequency). This sequence change replaces lysine with threonine at codon 1720 of the LAMB2 protein (p.Lys1720Thr). The lysine residue is highly conserved and there is a moderate physicochemical difference between lysine and threonine.